The following is an entry in ClinVar:

NM_006648.4(WNK2):c.5551G>A (p.Gly1851Ser)

Gene: WNK2 (WNK lysine deficient protein kinase 2; plus strand). Cytogenetic location: 9q22.31.
Variant type: single nucleotide variant.
Coding change: c.5551G>A on transcript NM_006648.4 (MANE Select); coding-DNA position 5551, G replaced by A.
Protein change: p.Gly1851Ser; replaces glycine 1851 with serine.
Molecular consequence: missense variant.
Genome position (GRCh38, 1-based): chr9:93,293,016, G>A. VCF-style: chr9-93293016-G-A. GRCh37 (hg19) VCF-style: chr9-96055298-G-A.
Other names: c.5662G>A, p.Gly1888Ser (NM_001282394.3); short protein forms G1888S, G1851S.
Identifiers: ClinVar variation 3470702 (VCV003470702.1).

ClinVar aggregate classification (germline): Uncertain significance (1 of 4 stars; one submission).

gnomAD v4.1: 40 of 1,598,762 alleles (0.0025%); highest among the groups gnomAD compares: East Asian, 0.013%; no homozygotes.

Submission:

Ambry Genetics
Classification: Uncertain significance. Last evaluated: 2024-12-10. Review status: criteria provided, single submitter. Criteria: Ambry Variant Classification Scheme 2023. Collection method: clinical testing. Allele origin: germline.
Comment: The p.G1851S variant (also known as c.5551G>A), located in coding exon 22 of the WNK2 gene, results from a G to A substitution at nucleotide position 5551. The glycine at codon 1851 is replaced by serine, an amino acid with similar properties. This amino acid position is conserved. In addition, this alteration is predicted to be tolerated by in silico analysis. Based on the available evidence, the clinical significance of this variant remains unclear.